The following is an entry in ClinVar:

NM_025114.4(CEP290):c.6954ACA[1] (p.Gln2320del)

Gene: CEP290 (centrosomal protein 290; minus strand). Cytogenetic location: 12q21.32.
Variant type: Microsatellite.
Coding change: c.6954ACA[1] on transcript NM_025114.4 (MANE Select); one copy of the 3-base unit ACA starting at c.6954; the reference has two copies in a row; one copy, 3 bases deleted.
Protein change: p.Gln2320del; deletes glutamine 2320.
Molecular consequence: inframe deletion.
Genome position (GRCh38, 1-based): chr12:88,055,577-88,055,579, TGT deleted on the plus strand (ACA on the coding strand, the reverse complement: CEP290 is on the minus strand); deleting any 3 consecutive bases within chr12:88,055,577-88,055,583 gives the same sequence; the position shown is the placement nearest the transcript's 3' end. VCF-style (leftmost placement, unchanged base first): chr12-88055576-CTGT-C. GRCh37 (hg19) VCF-style: chr12-88449353-CTGT-C.
Other names: short protein forms Q2320del.
Identifiers: ClinVar variation 5004308 (VCV005004308.1).
Genomic context (GRCh38, chr12:88,055,576, plus strand): 5'-AGGAACATCTTGCGATATTATGCATTATTTTATCATGTAAAGAAAAATTACGTTACTTAC[CTGT>C]TGTTCAAGGTCTTCATTGTATTTGTTAACTTTTTGTTCTCTCTCTGTTGCTTCTTTTACA-3'

ClinVar aggregate classification (germline): Uncertain significance (1 of 4 stars; one submission).

Conditions:
CEP290-related ciliopathy. Also called: CEP290 ciliopathy. Identifiers: MedGen CN305601, MONDO:0100451.

Submission:

Myriad Genetics, Inc.
Classification: Uncertain significance for CEP290-related ciliopathy. Last evaluated: 2025-12-03. Review status: criteria provided, single submitter. Criteria: Myriad Autosomal Dominant, Autosomal Recessive and X-Linked Classification Criteria (2023). Collection method: clinical testing. Allele origin: unknown.
Comment: NM_025114.3(CEP290):c.6957_6959delACA(Q2320del) is an in-frame deletion classified as a variant of uncertain significance in the context of CEP290-related disorders. Q2320del has not been observed in cases with relevant disease. Relevant functional assessments of this variant are not available in the literature. Q2320del has been observed in referenced population frequency databases. In summary, there is insufficient evidence to classify NM_025114.3(CEP290):c.6957_6959delACA(Q2320del) as pathogenic or benign. Please note: this variant was assessed in the context of healthy population screening.